The following is an entry in ClinVar:

NM_001365276.2(TNXB):c.3427G>A (p.Val1143Met)

Gene: TNXB (tenascin XB; minus strand). Cytogenetic location: 6p21.33.
Variant type: single nucleotide variant.
Coding change: c.3427G>A on transcript NM_001365276.2 (MANE Select); coding-DNA position 3427, G replaced by A.
Protein change: p.Val1143Met; replaces valine 1143 with methionine.
Molecular consequence: missense variant.
Genome position (GRCh38, 1-based): chr6:32,084,431, C>T on the plus strand (G>A on the coding strand, the complement: TNXB is on the minus strand). VCF-style: chr6-32084431-C-T. GRCh37 (hg19) VCF-style: chr6-32052208-C-T.
Other names: c.3427G>A, p.Val1143Met (NM_019105.8); short protein forms V1143M.
Identifiers: ClinVar variation 1217977 (VCV001217977.10), dbSNP rs965570472, ClinGen allele CA136898249.

ClinVar aggregate classification (germline): Conflicting classifications of pathogenicity. Review status: criteria provided, conflicting classifications (1 of 4 stars). 3 submissions from 3 submitters: Uncertain significance (2); Likely benign (1). Last evaluated 2025-07-15.

Conditions:
Cardiovascular phenotype. Identifiers: MedGen CN230736.

Allele frequency attached by ClinVar (database versions not stated): gnomAD 0.00005 and 0.00006; TOPMed 0.00005; gnomAD exomes 0.00009 and 0.00002.
gnomAD v4.1: 145 of 1,592,552 alleles (0.0091%); highest among the groups gnomAD compares: Non-Finnish European, 0.011%; no homozygotes.

Submissions (3):

Women's Health and Genetics/Laboratory Corporation of America, LabCorp
Classification: Uncertain significance. Last evaluated: 2025-07-15. Review status: criteria provided, single submitter. Criteria: LabCorp Variant Classification Summary - May 2015. Collection method: clinical testing. Allele origin: germline.
Comment: Variant summary: TNXB c.3427G>A (p.Val1143Met) results in a conservative amino acid change in the encoded protein sequence. Algorithms developed to predict the effect of missense changes on protein structure and function all suggest that this variant is likely to be tolerated. The variant allele was found at a frequency of 2.1e-05 in 241584 control chromosomes. The available data on variant occurrences in the general population are insufficient to allow any conclusion about variant significance. To our knowledge, no occurrence of c.3427G>A in individuals affected with Ehlers-Danlos syndrome due to tenascin-X deficiency and no experimental evidence demonstrating its impact on protein function have been reported. ClinVar contains an entry for this variant (Variation ID: 1217977). Based on the evidence outlined above, the variant was classified as uncertain significance.

Ambry Genetics
Classification: Likely benign for Cardiovascular phenotype. Last evaluated: 2025-03-11. Review status: criteria provided, single submitter. Criteria: Ambry Variant Classification Scheme 2023. Collection method: clinical testing. Allele origin: germline.

GeneDx
Classification: Uncertain significance. Last evaluated: 2024-07-24. Review status: criteria provided, single submitter. Criteria: GeneDx Variant Classification Process June 2021. Collection method: clinical testing. Allele origin: germline. Affected: yes.
Comment: Has not been previously published as pathogenic or benign to our knowledge; In silico analysis indicates that this missense variant does not alter protein structure/function